The following is an entry in ClinVar:

NM_182914.3(SYNE2):c.14797G>C (p.Asp4933His)

Gene: SYNE2 (spectrin repeat containing nuclear envelope protein 2; plus strand). Cytogenetic location: 14q23.2.
Variant type: single nucleotide variant.
Coding change: c.14797G>C on transcript NM_182914.3 (MANE Select); coding-DNA position 14797, G replaced by C.
Protein change: p.Asp4933His; replaces aspartic acid 4933 with histidine.
Molecular consequence: missense variant.
Genome position (GRCh38, 1-based): chr14:64,137,937, G>C. VCF-style: chr14-64137937-G-C. GRCh37 (hg19) VCF-style: chr14-64604655-G-C.
Other names: c.14797G>C, p.Asp4933His (NM_015180.6); short protein forms D4933H.
Identifiers: ClinVar variation 2436854 (VCV002436854.6), dbSNP rs765644476, ClinGen allele CA7222873.

ClinVar aggregate classification (germline): Uncertain significance. Review status: criteria provided, multiple submitters, no conflicts (2 of 4 stars). 2 submissions from 2 submitters: Uncertain significance (2). Last evaluated 2023-07-29.

Conditions:
Emery-Dreifuss muscular dystrophy 5, autosomal dominant (EDMD5). Also called: EMERY-DREIFUSS MUSCULAR DYSTROPHY 5. Identifiers: Orphanet 261, MedGen C2751805, MONDO:0013072, OMIM 612999.

Allele frequency attached by ClinVar (database versions not stated): ExAC 0.00001; gnomAD 0.00001; gnomAD exomes 0.00001.
gnomAD v4.1: 13 of 1,614,016 alleles (0.00081%); highest among the groups gnomAD compares: South Asian, 0.011%; no homozygotes.

Submissions (2):

Labcorp Genetics (formerly Invitae), Labcorp
Classification: Uncertain significance for Emery-Dreifuss muscular dystrophy 5, autosomal dominant. Last evaluated: 2023-07-29. Review status: criteria provided, single submitter. Criteria: Invitae Variant Classification Sherloc (09022015). Collection method: clinical testing. Allele origin: germline.
Comment: This sequence change replaces aspartic acid, which is acidic and polar, with histidine, which is basic and polar, at codon 4933 of the SYNE2 protein (p.Asp4933His). In summary, the available evidence is currently insufficient to determine the role of this variant in disease. Therefore, it has been classified as a Variant of Uncertain Significance. An algorithm developed to predict the effect of missense changes on protein structure and function (PolyPhen-2) suggests that this variant is likely to be disruptive. ClinVar contains an entry for this variant (Variation ID: 2436854). This variant has not been reported in the literature in individuals affected with SYNE2-related conditions. This variant is not present in population databases (gnomAD no frequency).

Revvity Omics, Revvity
Classification: Uncertain significance for Emery-Dreifuss muscular dystrophy 5, autosomal dominant. Last evaluated: 2019-10-10. Review status: criteria provided, single submitter. Criteria: ACMG Guidelines, 2015. Collection method: clinical testing. Allele origin: germline.